The following is an entry in ClinVar:

ClinVar aggregate classification (germline): Likely benign (1 of 4 stars; one submission).

Allele frequency attached by ClinVar (database versions not stated): gnomAD 0.00765 and 0.00816; TOPMed 0.00840; 1000 Genomes Project 0.00998; 1000 Genomes Project 30x 0.01046.
gnomAD v4.1: 1,156 of 152,130 alleles (0.76%); highest among the groups gnomAD compares: African/African-American, 2.6%; 13 homozygotes.

Submission:

GeneDx
Classification: Likely benign. Last evaluated: 2018-06-16. Review status: criteria provided, single submitter. Criteria: GeneDx Variant Classification (06012015). Collection method: clinical testing. Allele origin: germline. Affected: yes.
Comment: This variant is considered likely benign or benign based on one or more of the following criteria: it is a conservative change, it occurs at a poorly conserved position in the protein, it is predicted to be benign by multiple in silico algorithms, and/or has population frequency not consistent with disease.

NM_001035.3(RYR2):c.11963-254T>C

Gene: RYR2 (ryanodine receptor 2; plus strand). Cytogenetic location: 1q43.
Variant type: single nucleotide variant.
Coding change: c.11963-254T>C on transcript NM_001035.3 (MANE Select); 254 bases into the intron before coding-DNA position 11963, T replaced by C.
Molecular consequence: intron variant.
Genome position (GRCh38, 1-based): chr1:237,783,421, T>C. VCF-style: chr1-237783421-T-C. GRCh37 (hg19) VCF-style: chr1-237946721-T-C.
Identifiers: ClinVar variation 669001 (VCV000669001.1), dbSNP rs145302253, ClinGen allele CA39826691.